The following is an entry in ClinVar:

NM_001082486.2(ACD):c.846C>T (p.Pro282=)

Gene: ACD (ACD shelterin complex subunit and telomerase recruitment factor; minus strand). Cytogenetic location: 16q22.1.
Variant type: single nucleotide variant.
Coding change: c.846C>T on transcript NM_001082486.2 (MANE Select); coding-DNA position 846, C replaced by T.
Protein change: p.Pro282=; no amino-acid change (proline 282 retained).
Molecular consequence: synonymous variant.
Genome position (GRCh38, 1-based): chr16:67,658,346, G>A on the plus strand (C>T on the coding strand, the complement: ACD is on the minus strand). VCF-style: chr16-67658346-G-A. GRCh37 (hg19) VCF-style: chr16-67692249-G-A.
Other names: c.837C>T, p.Pro279= (NM_022914.3).
Identifiers: ClinVar variation 719728 (VCV000719728.19), dbSNP rs199856965, ClinGen allele CA8114493.

ClinVar aggregate classification (germline): Likely benign. Review status: criteria provided, multiple submitters, no conflicts (2 of 4 stars). 5 submissions from 5 submitters: Likely benign (5). Last evaluated 2026-08-01.

Conditions:
Dyskeratosis congenita, autosomal dominant 6 (DKCA6). Identifiers: Orphanet 3322, MedGen C4225284, MONDO:0014690, OMIM 616553.
Inborn genetic diseases. Identifiers: MedGen C0950123, MeSH D030342.

Allele frequency attached by ClinVar (database versions not stated): gnomAD 0.00015 and 0.00013; 1000 Genomes Project 30x 0.00016; 1000 Genomes Project 0.00020; TOPMed 0.00031; gnomAD exomes 0.00001 and 0.00002; ExAC 0.00002.
gnomAD v4.1: 45 of 1,613,704 alleles (0.0028%); highest among the groups gnomAD compares: Admixed American, 0.048%; no homozygotes.

Submissions (5):

CeGaT Center for Human Genetics Tuebingen
Classification: Likely benign. Last evaluated: 2026-08-01. Review status: criteria provided, single submitter. Criteria: CeGaT Center For Human Genetics Tuebingen Variant Classification Criteria Version 2. Collection method: clinical testing. Allele origin: germline. Affected: yes. Observed: 1 variant allele.
Comment: ACD: BP4, BP7

Labcorp Genetics (formerly Invitae), Labcorp
Classification: Likely benign for Dyskeratosis congenita, autosomal dominant 6. Last evaluated: 2025-12-22. Review status: criteria provided, single submitter. Criteria: Invitae Variant Classification Sherloc (09022015). Collection method: clinical testing. Allele origin: germline.

Center for Genomic Medicine, Rigshospitalet, Copenhagen University Hospital
Classification: Likely benign. Last evaluated: 2025-03-04. Review status: criteria provided, single submitter. Criteria: ACMG Guidelines, 2015. Collection method: clinical testing. Allele origin: germline.

Blueprint Genetics
Classification: Likely benign. Last evaluated: 2024-01-30. Review status: criteria provided, single submitter. Criteria: ACMG Guidelines, 2015. Collection method: clinical testing. Allele origin: germline.

Ambry Genetics
Classification: Likely benign for Inborn genetic diseases. Last evaluated: 2022-02-12. Review status: criteria provided, single submitter. Criteria: Ambry Variant Classification Scheme 2023. Collection method: clinical testing. Allele origin: germline.